The following is an entry in ClinVar:

ClinVar aggregate classification (germline): Likely pathogenic (1 of 4 stars; one submission).

Conditions:
Hearing loss, autosomal dominant 78. Also called: DEAFNESS, AUTOSOMAL DOMINANT 78. Identifiers: MedGen C5436768, MONDO:0033665, OMIM 619081.

Submission:

Greenwood Genetic Center Diagnostic Laboratories, Greenwood Genetic Center
Classification: Likely pathogenic for Hearing loss, autosomal dominant 78. Last evaluated: 2025-02-11. Review status: criteria provided, single submitter. Criteria: ACMG Guidelines, 2015. Collection method: clinical testing. Allele origin: germline. Affected: yes.
Comment: PVS1, PM2

NM_001046.3(SLC12A2):c.869dup (p.Val291fs)

Gene: SLC12A2 (solute carrier family 12 member 2; plus strand). Cytogenetic location: 5q23.3.
Variant type: Duplication.
Coding change: c.869dup on transcript NM_001046.3 (MANE Select); coding-DNA position 869, one base duplicated (G; older notation c.869dupG).
Protein change: p.Val291fs; shifts the reading frame from valine 291.
Molecular consequence: frameshift variant. On other transcripts: non-coding transcript variant (1).
Genome position (GRCh38, 1-based): chr5:128,112,926, G duplicated; the last of 3 consecutive G bases (chr5:128,112,924-128,112,926); duplicating any one gives the same sequence. VCF-style (leftmost placement, unchanged base first): chr5-128112923-A-AG. GRCh37 (hg19) VCF-style: chr5-127448615-A-AG.
Other names: c.869dup, p.Val291fs (NM_001256461.2); short protein forms V291fs.
Identifiers: ClinVar variation 4851662 (VCV004851662.1).
Genomic context (GRCh38, chr5:128,112,923, plus strand): 5'-GAGATGCTGTGGTCACGTATACTGCAGAAAGTAAAGGAGTCGTGAAGTTTGGCTGGATCA[A>AG]GGGTGTATTAGTATGTATATATAGACTTAATTTTATAGTTACAGCATATCTGTTGGTTAT-3'